The following is an entry in ClinVar:

NM_006178.4(NSF):c.1913G>C (p.Arg638Pro)

Genes: NSF (N-ethylmaleimide sensitive factor, vesicle fusing ATPase; plus strand), LRRC37A2 (leucine rich repeat containing 37 member A2). Cytogenetic location: 17q21.31.
Variant type: single nucleotide variant.
Coding change: c.1913G>C on transcript NM_006178.4 (MANE Select); coding-DNA position 1913, G replaced by C.
Protein change: p.Arg638Pro; replaces arginine 638 with proline.
Molecular consequence: missense variant. On other transcripts: non-coding transcript variant (1).
Genome position (GRCh38, 1-based): chr17:46,749,777, G>C. VCF-style: chr17-46749777-G-C. GRCh37 (hg19) VCF-style: chr17-44827143-G-C.
Other names: short protein forms R638P.
Identifiers: ClinVar variation 3769903 (VCV003769903.2).

ClinVar aggregate classification (germline): Likely pathogenic (1 of 4 stars; one submission).

Submission:

GeneDx
Classification: Likely pathogenic. Last evaluated: 2025-11-18. Review status: criteria provided, single submitter. Criteria: GeneDx Variant Classification Process June 2021. Collection method: clinical testing. Allele origin: germline.
Comment: Not observed at significant frequency in large population cohorts (gnomAD); In silico analysis supports that this missense variant has a deleterious effect on protein structure/function; Has not been previously published as pathogenic or benign to our knowledge